The following is an entry in ClinVar:

ClinVar aggregate classification (germline): Uncertain significance (1 of 4 stars; one submission).

Conditions:
Epilepsy, childhood absence, susceptibility to, 5. Identifiers: Orphanet 64280, MedGen C2677087, MONDO:0012843, OMIM 612269.
Epilepsy, childhood absence, susceptibility to, 1. Also called: Epilepsy, childhood absence 1. Identifiers: Orphanet 64280, MedGen C1838604, MONDO:0020759, OMIM 600131.

Submission:

Labcorp Genetics (formerly Invitae), Labcorp
Classification: Uncertain significance for Epilepsy, childhood absence, susceptibility to, 5; Epilepsy, childhood absence, susceptibility to, 1. Last evaluated: 2022-12-15. Review status: criteria provided, single submitter. Criteria: Invitae Variant Classification Sherloc (09022015). Collection method: clinical testing. Allele origin: germline.
Comment: This sequence change replaces proline, which is neutral and non-polar, with serine, which is neutral and polar, at codon 54 of the GABRB3 protein (p.Pro54Ser). This variant is not present in population databases (gnomAD no frequency). This variant has not been reported in the literature in individuals affected with GABRB3-related conditions. Advanced modeling of protein sequence and biophysical properties (such as structural, functional, and spatial information, amino acid conservation, physicochemical variation, residue mobility, and thermodynamic stability) performed at Invitae indicates that this missense variant is expected to disrupt GABRB3 protein function. In summary, the available evidence is currently insufficient to determine the role of this variant in disease. Therefore, it has been classified as a Variant of Uncertain Significance.

NM_000814.6(GABRB3):c.160C>T (p.Pro54Ser)

Gene: GABRB3 (gamma-aminobutyric acid type A receptor subunit beta3; minus strand). Cytogenetic location: 15q12.
Variant type: single nucleotide variant.
Coding change: c.160C>T on transcript NM_000814.6 (MANE Select); coding-DNA position 160, C replaced by T.
Protein change: p.Pro54Ser; replaces proline 54 with serine.
Molecular consequence: missense variant. On other transcripts: 5 prime UTR variant (1).
Genome position (GRCh38, 1-based): chr15:26,772,693, G>A on the plus strand (C>T on the coding strand, the complement: GABRB3 is on the minus strand). VCF-style: chr15-26772693-G-A. GRCh37 (hg19) VCF-style: chr15-27017840-G-A.
Other names: c.-192C>T (NM_001278631.2); c.160C>T, p.Pro54Ser (NM_021912.5); short protein forms P54S.
Identifiers: ClinVar variation 2940600 (VCV002940600.3), dbSNP rs2504095043, ClinGen allele CA391465354.